The following is an entry in ClinVar:

ClinVar aggregate classification (germline): Conflicting classifications of pathogenicity. Review status: criteria provided, conflicting classifications (1 of 4 stars). 2 submissions from 2 submitters: Uncertain significance (1); Likely benign (1). Last evaluated 2022-11-15.

Conditions:
Developmental and epileptic encephalopathy, 27 (DEE27). Also called: GRIN2B-Related Neurodevelopmental Disorder; Epileptic encephalopathy, early infantile, 27. Identifiers: Orphanet 3451, MedGen C4015316, MONDO:0014505, OMIM 616139.
Intellectual developmental disorder, autosomal dominant 6, with or without seizures. Also called: Intellectual disability, autosomal dominant 6; GRIN2B-related developmental delay, intellectual disability and autism spectrum disorder. Identifiers: Orphanet 589547, MedGen C3151411, MONDO:0013509, OMIM 613970.

Allele frequency attached by ClinVar (database versions not stated): TOPMed below 0.00001.

Submissions (2):

GeneDx
Classification: Likely benign. Last evaluated: 2022-11-15. Review status: criteria provided, single submitter. Criteria: GeneDx Variant Classification Process June 2021. Collection method: clinical testing. Allele origin: germline. Affected: yes.
Comment: See Variant Classification Assertion Criteria.

Labcorp Genetics (formerly Invitae), Labcorp
Classification: Uncertain significance for Developmental and epileptic encephalopathy, 27; Intellectual developmental disorder, autosomal dominant 6, with or without seizures. Last evaluated: 2022-04-07. Review status: criteria provided, single submitter. Criteria: Invitae Variant Classification Sherloc (09022015). Collection method: clinical testing. Allele origin: germline.
Comment: This sequence change replaces isoleucine, which is neutral and non-polar, with valine, which is neutral and non-polar, at codon 85 of the GRIN2B protein (p.Ile85Val). This variant is not present in population databases (gnomAD no frequency). This variant has not been reported in the literature in individuals affected with GRIN2B-related conditions. Advanced modeling of protein sequence and biophysical properties (such as structural, functional, and spatial information, amino acid conservation, physicochemical variation, residue mobility, and thermodynamic stability) performed at Invitae indicates that this missense variant is not expected to disrupt GRIN2B protein function. In summary, the available evidence is currently insufficient to determine the role of this variant in disease. Therefore, it has been classified as a Variant of Uncertain Significance.

NM_000834.5(GRIN2B):c.253A>G (p.Ile85Val)

Gene: GRIN2B (glutamate ionotropic receptor NMDA type subunit 2B; minus strand). Cytogenetic location: 12p13.1.
Variant type: single nucleotide variant.
Coding change: c.253A>G on transcript NM_000834.5 (MANE Select); coding-DNA position 253, A replaced by G.
Protein change: p.Ile85Val; replaces isoleucine 85 with valine.
Molecular consequence: missense variant.
Genome position (GRCh38, 1-based): chr12:13,865,956, T>C on the plus strand (A>G on the coding strand, the complement: GRIN2B is on the minus strand). VCF-style: chr12-13865956-T-C. GRCh37 (hg19) VCF-style: chr12-14018890-T-C.
Other names: c.253A>G, p.Ile85Val (NM_001413992.1, NM_001413993.1, NM_001413994.1 and 1 more transcripts); short protein forms I85V.
Identifiers: ClinVar variation 1800829 (VCV001800829.6), dbSNP rs1865820132, ClinGen allele CA384054236.